The following is an entry in ClinVar:

NM_002529.4(NTRK1):c.850+1G>C

Gene: NTRK1 (neurotrophic receptor tyrosine kinase 1; plus strand). Cytogenetic location: 1q23.1.
Variant type: single nucleotide variant.
Coding change: c.850+1G>C on transcript NM_002529.4 (MANE Select); the canonical splice donor site of the intron after coding-DNA position 850, G replaced by C.
Molecular consequence: splice donor variant.
Genome position (GRCh38, 1-based): chr1:156,871,756, G>C. VCF-style: chr1-156871756-G-C. GRCh37 (hg19) VCF-style: chr1-156841548-G-C.
Other names: c.760+1G>C (NM_001007792.1); c.850+1G>C (NM_001012331.2, NM_001012331.1).
Identifiers: ClinVar variation 1420732 (VCV001420732.10), dbSNP rs1647569895, ClinGen allele CA342935290.
Genomic context (GRCh38, chr1:156,871,756, plus strand): 5'-CGTGCTGGGCAGAGAACGATGTGGGCCGGGCAGAGGTCTCTGTTCAGGTCAACGTCTCCT[G>C]TGAGTCTCAGTGGCAGCTCCGGCACCCACCCCCTACTCATCTCTTCTTCCCTCAAAAGAG-3'

ClinVar aggregate classification (germline): Pathogenic. Review status: criteria provided, multiple submitters, no conflicts (2 of 4 stars). 2 submissions from 2 submitters: Pathogenic (2). Last evaluated 2025-03-10.

Conditions:
Hereditary insensitivity to pain with anhidrosis (CIPA). Also called: INSENSITIVITY TO PAIN, CONGENITAL, WITH ANHIDROSIS; HSAN Type IV; FAMILIAL DYSAUTONOMIA, TYPE II; hereditary sensory and autonomic neuropathy type 4; NTRK1 Congenital Insensitivity to Pain with Anhidrosis; NEUROPATHY, CONGENITAL SENSORY, WITH ANHIDROSIS. Identifiers: Orphanet 642, MedGen C0020074, MONDO:0009746, OMIM 256800.

Allele frequency attached by ClinVar (database versions not stated): gnomAD 0.00001.
gnomAD v4.1: 2 of 1,614,050 alleles (0.00012%); highest among the groups gnomAD compares: African/African-American, 0.0027%; no homozygotes.

Submissions (2):

Natera, Inc.
Classification: Pathogenic for Hereditary insensitivity to pain with anhidrosis. Last evaluated: 2025-03-10. Review status: criteria provided, single submitter. Criteria: Natera Variant Classification Schema (03/2026). Collection method: clinical testing. Allele origin: germline.
Comment: The c.850+1G>C variant in NTRK1 is a canonical splice donor site variant predicted to affect pre-mRNA splicing, which may result in an abnormal transcript and altered protein product. This variant is expected to result in nonsense mediated decay, truncation, or a dysfunctional protein product. This variant is rare in the general population with a frequency below the threshold expected for the associated phenotype(s). Another variant at this same site results in an alteration predicted to cause a similar molecular effect has been observed in individual(s) with the associated phenotype. Given the available evidence, this variant is classified as Pathogenic.

Labcorp Genetics (formerly Invitae), Labcorp
Classification: Pathogenic for Hereditary insensitivity to pain with anhidrosis. Last evaluated: 2022-03-08. Review status: criteria provided, single submitter. Criteria: Invitae Variant Classification Sherloc (09022015). Collection method: clinical testing. Allele origin: germline.
Comment: This variant is not present in population databases (gnomAD no frequency). This sequence change affects a donor splice site in intron 7 of the NTRK1 gene. It is expected to disrupt RNA splicing. Variants that disrupt the donor or acceptor splice site typically lead to a loss of protein function (PMID: 16199547), and loss-of-function variants in NTRK1 are known to be pathogenic (PMID: 10982191). Disruption of this splice site has been observed in individual(s) with congenital insensitivity to pain with anhidrosis (PMID: 10330344, 29770739). In at least one individual the data is consistent with being in trans (on the opposite chromosome) from a pathogenic variant. For these reasons, this variant has been classified as Pathogenic. Algorithms developed to predict the effect of sequence changes on RNA splicing suggest that this variant may disrupt the consensus splice site. This variant is also known as IVS7+1G.

Literature cited by the submitters: PubMed 16199547 (cited by Labcorp Genetics (formerly Invitae), Labcorp); PubMed 10982191 (cited by Labcorp Genetics (formerly Invitae), Labcorp); PubMed 10330344 (cited by Labcorp Genetics (formerly Invitae), Labcorp); PubMed 29770739 (cited by Labcorp Genetics (formerly Invitae), Labcorp).